The following is an entry in ClinVar:

NM_001079872.2(CUL4B):c.1906C>T (p.Leu636Phe)

Gene: CUL4B (cullin 4B; minus strand). Cytogenetic location: Xq24.
Variant type: single nucleotide variant.
Coding change: c.1906C>T on transcript NM_001079872.2 (MANE Select); coding-DNA position 1906, C replaced by T.
Protein change: p.Leu636Phe; replaces leucine 636 with phenylalanine.
Molecular consequence: missense variant.
Genome position (GRCh38, 1-based): chrX:120,538,156, G>A on the plus strand (C>T on the coding strand, the complement: CUL4B is on the minus strand). VCF-style: chrX-120538156-G-A. GRCh37 (hg19) VCF-style: chrX-119672011-G-A.
Other names: c.1921C>T, p.Leu641Phe (NM_001330624.2); c.1372C>T, p.Leu458Phe (NM_001369145.1); c.1960C>T, p.Leu654Phe (NM_003588.4); short protein forms L458F, L636F, L641F, L654F.
Identifiers: ClinVar variation 4282131 (VCV004282131.1).

ClinVar aggregate classification (germline): Uncertain significance (1 of 4 stars; one submission).

Submission:

GeneDx
Classification: Uncertain significance. Last evaluated: 2025-04-15. Review status: criteria provided, single submitter. Criteria: GeneDx Variant Classification Process June 2021. Collection method: clinical testing. Allele origin: germline. Affected: yes.
Comment: Not observed at significant frequency in large population cohorts (gnomAD); In silico analysis supports that this missense variant has a deleterious effect on protein structure/function; Has not been previously published as pathogenic or benign to our knowledge